The following is an entry in ClinVar:

ClinVar aggregate classification (germline): Likely benign. Review status: criteria provided, multiple submitters, no conflicts (2 of 4 stars). 3 submissions from 3 submitters: Likely benign (2). 1 of the submissions does not count toward it. Last evaluated 2026-07-01.

Conditions:
MOCS3-related disorder. Also called: MOCS3-related condition.

Allele frequency attached by ClinVar (database versions not stated): ESP Exome Variant Server 0.00047; ExAC 0.00052; gnomAD exomes 0.00053; 1000 Genomes Project 0.00060; gnomAD 0.00060 and 0.00073; 1000 Genomes Project 30x 0.00062; TOPMed 0.00063.
gnomAD v4.1: 1,802 of 1,595,124 alleles (0.11%); highest among the groups gnomAD compares: Non-Finnish European, 0.15%; 2 homozygotes.

Submissions (3):

CeGaT Center for Human Genetics Tuebingen
Classification: Likely benign. Last evaluated: 2026-07-01. Review status: criteria provided, single submitter. Criteria: CeGaT Center For Human Genetics Tuebingen Variant Classification Criteria Version 2. Collection method: clinical testing. Allele origin: germline. Affected: yes. Observed: 4 variant alleles.
Comment: MOCS3: BP4, BP7

Labcorp Genetics (formerly Invitae), Labcorp
Classification: Likely benign. Last evaluated: 2026-01-26. Review status: criteria provided, single submitter. Criteria: Invitae Variant Classification Sherloc (09022015). Collection method: clinical testing. Allele origin: germline.

PreventionGenetics, part of Exact Sciences
Classification: Likely benign for MOCS3-related condition. Last evaluated: 2020-01-07. Review status: no assertion criteria provided. Collection method: clinical testing. Allele origin: germline. Not counted in ClinVar's aggregate classification.
Comment: This variant is classified as likely benign based on ACMG/AMP sequence variant interpretation guidelines (Richards et al. 2015 PMID: 25741868, with internal and published modifications).

NM_014484.5(MOCS3):c.21A>C (p.Val7=)

Gene: MOCS3 (molybdenum cofactor synthesis 3; plus strand). Cytogenetic location: 20q13.13.
Variant type: single nucleotide variant.
Coding change: c.21A>C on transcript NM_014484.5 (MANE Select); coding-DNA position 21, A replaced by C.
Protein change: p.Val7=; no amino-acid change (valine 7 retained).
Molecular consequence: synonymous variant.
Genome position (GRCh38, 1-based): chr20:50,958,863, A>C. VCF-style: chr20-50958863-A-C. GRCh37 (hg19) VCF-style: chr20-49575400-A-C.
Other names: c.21A>C (NM_014484.4).
Identifiers: ClinVar variation 1092009 (VCV001092009.32), dbSNP rs45500701, ClinGen allele CA9909330.